The following is an entry in ClinVar:

NM_001142800.2(EYS):c.5661_5662insAA (p.Tyr1888fs)

Gene: EYS (EGF-like photoreceptor maintenance factor; minus strand). Cytogenetic location: 6q12.
Variant type: Insertion.
Coding change: c.5661_5662insAA on transcript NM_001142800.2 (MANE Select); coding-DNA positions 5661 to 5662, AA inserted.
Protein change: p.Tyr1888fs; shifts the reading frame from tyrosine 1888.
Molecular consequence: frameshift variant.
Genome position: GRCh38 VCF-style: chr6-64439335-A-ATT. GRCh37 (hg19) VCF-style: chr6-65149228-A-ATT.
Other names: c.5661_5662insAA, p.Tyr1888fs (NM_001292009.2); short protein forms Y1888fs.
Identifiers: ClinVar variation 1068538 (VCV001068538.7), dbSNP rs2150466512, ClinGen allele CA2499218451.

ClinVar aggregate classification (germline): Pathogenic (1 of 4 stars; one submission).

Submission:

Labcorp Genetics (formerly Invitae), Labcorp
Classification: Pathogenic. Last evaluated: 2020-03-18. Review status: criteria provided, single submitter. Criteria: Invitae Variant Classification Sherloc (09022015). Collection method: clinical testing. Allele origin: germline.
Comment: Loss-of-function variants in EYS are known to be pathogenic (PMID: 18836446, 20333770). For these reasons, this variant has been classified as Pathogenic. This variant has not been reported in the literature in individuals with EYS-related conditions. This sequence change creates a premature translational stop signal (p.Tyr1888Asnfs*8) in the EYS gene. It is expected to result in an absent or disrupted protein product. This variant is not present in population databases (ExAC no frequency).

Literature cited by the submitters: PubMed 18836446; PubMed 20333770.